The following is an entry in ClinVar:

ClinVar aggregate classification (germline): Benign/Likely benign. Review status: criteria provided, multiple submitters, no conflicts (2 of 4 stars). 7 submissions from 6 submitters: Benign (1); Likely benign (3). 3 of the submissions do not count toward it. Last evaluated 2026-02-03.

Conditions:
MYOM1-related disorder.
Primary familial hypertrophic cardiomyopathy (HCM). Identifiers: Orphanet 99739, MedGen C0949658, MeSH D024741, MONDO:0024573. Inheritance: Various modes of inheritance.
Primary dilated cardiomyopathy (DCM). Also called: Dilated Cardiomyopathy. Identifiers: Orphanet 217604, MedGen C0007193, MeSH D002311, MONDO:0005021, HP:0001644. Inheritance: Various modes of inheritance.
Hypertrophic cardiomyopathy. Also called: HYPERTROPHIC MYOCARDIOPATHY. Identifiers: Orphanet 217569, MedGen C0007194, MeSH D002312, MONDO:0005045, HP:0001639.

Allele frequency attached by ClinVar (database versions not stated): 1000 Genomes Project 30x 0.00031; 1000 Genomes Project 0.00040; TOPMed 0.00078; gnomAD 0.00100; ESP Exome Variant Server 0.00106.
gnomAD v4.1: 1,594 of 1,613,648 alleles (0.099%); highest among the groups gnomAD compares: Non-Finnish European, 0.11%; 1 homozygote.

Submissions (7):

Labcorp Genetics (formerly Invitae), Labcorp
Classification: Likely benign for Hypertrophic cardiomyopathy. Last evaluated: 2026-02-03. Review status: criteria provided, single submitter. Criteria: Invitae Variant Classification Sherloc (09022015). Collection method: clinical testing. Allele origin: germline.

CeGaT Center for Human Genetics Tuebingen
Classification: Benign. Last evaluated: 2022-04-01. Review status: criteria provided, single submitter. Criteria: CeGaT Center For Human Genetics Tuebingen Variant Classification Criteria Version 2. Collection method: clinical testing. Allele origin: germline. Affected: yes. Observed: 1 variant allele.
Comment: MYOM1: BP4, BS1, BS2

GeneDx
Classification: Likely benign. Last evaluated: 2020-12-08. Review status: criteria provided, single submitter. Criteria: GeneDx Variant Classification Process June 2021. Collection method: clinical testing. Allele origin: germline. Affected: yes.
Comment: See Variant Classification Assertion Criteria.

Laboratory for Molecular Medicine, Mass General Brigham Personalized Medicine
Classification: Likely benign. Last evaluated: 2016-05-12. Review status: criteria provided, single submitter. Criteria: LMM Criteria. Collection method: clinical testing. Allele origin: germline. Observed: 1 variant allele.
Comment: p.Pro600Ala in exon14 of MYOM1: This variant is not expected to have clinical si gnificance because it has been identified in 0.3% (21/6612) of Finnish chromosom es by the Exome Aggregation Consortium (ExAC; db SNP rs201104206).

PreventionGenetics, part of Exact Sciences
Classification: Likely benign for MYOM1-related condition. Last evaluated: 2021-02-25. Review status: no assertion criteria provided. Collection method: clinical testing. Allele origin: germline. Not counted in ClinVar's aggregate classification.
Comment: This variant is classified as likely benign based on ACMG/AMP sequence variant interpretation guidelines (Richards et al. 2015 PMID: 25741868, with internal and published modifications).

Blueprint Genetics
Classification: Uncertain significance for Primary familial hypertrophic cardiomyopathy. Last evaluated: 2014-03-14. Review status: no assertion criteria provided. Collection method: clinical testing. Allele origin: germline. Affected: yes. Observed: 2 variant alleles. Not counted in ClinVar's aggregate classification.

Blueprint Genetics
Classification: Uncertain significance for Primary dilated cardiomyopathy. Last evaluated: 2013-09-27. Review status: no assertion criteria provided. Collection method: clinical testing. Allele origin: germline. Affected: yes. Not counted in ClinVar's aggregate classification.

NM_003803.4(MYOM1):c.1978C>G (p.Pro660Ala)

Gene: MYOM1 (myomesin 1; minus strand). Cytogenetic location: 18p11.31.
Variant type: single nucleotide variant.
Coding change: c.1978C>G on transcript NM_003803.4 (MANE Select); coding-DNA position 1978, C replaced by G.
Protein change: p.Pro660Ala; replaces proline 660 with alanine.
Molecular consequence: missense variant.
Genome position (GRCh38, 1-based): chr18:3,141,986, G>C on the plus strand (C>G on the coding strand, the complement: MYOM1 is on the minus strand). VCF-style: chr18-3141986-G-C. GRCh37 (hg19) VCF-style: chr18-3141984-G-C.
Other names: c.1978C>G, p.Pro660Ala (NM_019856.2); short protein forms P660A.
Identifiers: ClinVar variation 155822 (VCV000155822.43), dbSNP rs201104206, ClinGen allele CA345850.
Genomic context (GRCh38, chr18:3,141,986, plus strand): 5'-TCTAGAGTCTTACCTTTTCCACAAAGTACATAATGCCCTCATGACCACGCTGGCCAGGGG[G>C]CTTCCAGCTGAGCACCACATAGCTCCGGGTGGCCTCAGTGACAGAGAGGTCTGTCGGGGG-3'
Protein context (NP_003794.3, residues 650-670): TRSYVVLSWK[Pro660Ala]PGQRGHEGIM